The following is an entry in ClinVar:

ClinVar aggregate classification (germline): Likely pathogenic (1 of 4 stars; one submission).

Submission:

GeneDx
Classification: Likely pathogenic. Last evaluated: 2016-07-12. Review status: criteria provided, single submitter. Criteria: GeneDx Variant Classification (06012015). Collection method: clinical testing. Allele origin: germline. Affected: yes.
Comment: The A814D variant in the GRIN1 gene has not been reported previously as a pathogenic variant, nor as a benign variant, to our knowledge. The A814D variant was not observed in approximately 6500 individuals of European and African American ancestry in the NHLBI Exome Sequencing Project, indicating it is not a common benign variant in these populations. The A814D variant is a non-conservative amino acid substitution, which is likely to impact secondary protein structure as these residues differ in polarity, charge, size and/or other properties. This substitution occurs at a position that is conserved across species. In silico analysis predicts this variant is probably damaging to the protein structure/function. The A814D variant is a strong candidate for a pathogenic variant

NM_007327.4(GRIN1):c.2441C>A (p.Ala814Asp)

Gene: GRIN1 (glutamate ionotropic receptor NMDA type subunit 1; plus strand). Cytogenetic location: 9q34.3.
Variant type: single nucleotide variant.
Coding change: c.2441C>A on transcript NM_007327.4 (MANE Select); coding-DNA position 2441, C replaced by A.
Protein change: p.Ala814Asp; replaces alanine 814 with aspartic acid.
Molecular consequence: missense variant.
Genome position (GRCh38, 1-based): chr9:137,163,666, C>A. VCF-style: chr9-137163666-C-A. GRCh37 (hg19) VCF-style: chr9-140058118-C-A.
Other names: c.2441C>A, p.Ala814Asp (NM_000832.7, NM_021569.4); c.2504C>A, p.Ala835Asp (NM_001185090.2, NM_001185091.2); short protein forms A814D, A835D.
Identifiers: ClinVar variation 430264 (VCV000430264.2), dbSNP rs1131691870, ClinGen allele CA375726003.
Genomic context (GRCh38, chr9:137,163,666, plus strand): 5'-GGTATCAGGAATGTGACTCGCGCAGCAACGCCCCTGCGACCCTTACTTTTGAGAACATGG[C>A]CGGTGCGTTCTCCTTCATCCATTCTCGGGTGGGTTCTCCGTGGGCTGCGGCCTCCCTGGC-3'
Protein context (NP_015566.1, residues 804-824): APATLTFENM[Ala814Asp]GVFMLVAGGI